The following is an entry in ClinVar:

NM_001114753.3(ENG):c.67+5G>A

Gene: ENG (endoglin; minus strand). Cytogenetic location: 9q34.11.
Variant type: single nucleotide variant.
Coding change: c.67+5G>A on transcript NM_001114753.3 (MANE Select); 5 bases into the intron after coding-DNA position 67, G replaced by A.
Molecular consequence: intron variant.
Genome position (GRCh38, 1-based): chr9:127,854,284, C>T on the plus strand (G>A on the coding strand, the complement: ENG is on the minus strand). VCF-style: chr9-127854284-C-T. GRCh37 (hg19) VCF-style: chr9-130616563-C-T.
Other names: c.67+5G>A (NM_000118.4, NM_001406715.1, NM_001114753.1).
Identifiers: ClinVar variation 193047 (VCV000193047.10), dbSNP rs763111216, ClinGen allele CA238556.
Genomic context (GRCh38, chr9:127,854,284, plus strand): 5'-ATACTTGGGGCCTGGTCCGTGCACCGGAGGCCGAGTCTCCCCACCCTGGGTCCCTGGACA[C>T]CTACTTGTGGGGCTGAGGCTGCAGCTGGCCAGCAGCAGGGCAACAGCCAGAGGGAGCGTG-3'

ClinVar aggregate classification (germline): Conflicting classifications of pathogenicity. Review status: criteria provided, conflicting classifications (1 of 4 stars). 3 submissions from 3 submitters: Pathogenic (1); Uncertain significance (2). Last evaluated 2026-04-17.

Conditions:
Cardiovascular phenotype. Identifiers: MedGen CN230736.
Hereditary hemorrhagic telangiectasia (HHT). Also called: Osler hemorrhagic telangiectasia syndrome; ORW DISEASE; Osler Weber Rendu syndrome; OSLER-RENDU-WEBER DISEASE. Identifiers: Orphanet 774, MedGen C0039445, MONDO:0019180. Disease mechanism: loss of function.

Allele frequency attached by ClinVar (database versions not stated): ExAC below 0.00001.

Submissions (3):

Ambry Genetics
Classification: Pathogenic for Cardiovascular phenotype. Last evaluated: 2026-04-17. Review status: criteria provided, single submitter. Criteria: Ambry Variant Classification Scheme 2023. Collection method: clinical testing. Allele origin: germline.
Comment: The c.67+5G>A intronic pathogenic mutation results from a G to A substitution 5 nucleotides after coding exon 1 in the ENG gene. This variant was reported in individual(s) with features consistent with ENG-related hereditary hemorrhagic telangiectasia (Prigoda NL et al. J Med Genet, 2006 Sep;43:722-8; Heimdal K et al. Clin Genet, 2016 Feb;89:182-6; Ambry internal data; external communication). This nucleotide position is highly conserved in available vertebrate species. In silico splice site analysis predicts that this alteration will weaken the native splice donor site. This variant is considered to be rare based on population cohorts in the Genome Aggregation Database (gnomAD). Based on the supporting evidence, this variant is interpreted as a disease-causing mutation.

Labcorp Genetics (formerly Invitae), Labcorp
Classification: Uncertain significance for Hereditary hemorrhagic telangiectasia. Last evaluated: 2024-09-30. Review status: criteria provided, single submitter. Criteria: Invitae Variant Classification Sherloc (09022015). Collection method: clinical testing. Allele origin: germline.
Comment: This sequence change falls in intron 1 of the ENG gene. It does not directly change the encoded amino acid sequence of the ENG protein. It affects a nucleotide within the consensus splice site. This variant is not present in population databases (gnomAD no frequency). This variant has been observed in individual(s) with hereditary hemorrhagic telangiectasia (PMID: 16690726, 25970827; internal data). ClinVar contains an entry for this variant (Variation ID: 193047). Variants that disrupt the consensus splice site are a relatively common cause of aberrant splicing (PMID: 17576681, 9536098). Studies have shown that this variant is associated with inconclusive levels of altered splicing (PMID: 25970827). In summary, the available evidence is currently insufficient to determine the role of this variant in disease. Therefore, it has been classified as a Variant of Uncertain Significance.

Eurofins Ntd Llc (ga)
Classification: Uncertain significance. Last evaluated: 2015-03-12. Review status: criteria provided, single submitter. Criteria: EGL Classification Definitions 2015. Collection method: clinical testing. Allele origin: germline. Observed: 3 variant alleles, 3 heterozygotes.

Literature cited by the submitters: PubMed 16690726 (cited by Ambry Genetics and Labcorp Genetics (formerly Invitae), Labcorp); PubMed 25970827 (cited by Ambry Genetics and Labcorp Genetics (formerly Invitae), Labcorp); PubMed 17576681 (cited by Labcorp Genetics (formerly Invitae), Labcorp); PubMed 9536098 (cited by Labcorp Genetics (formerly Invitae), Labcorp).